The following is an entry in ClinVar:

ClinVar aggregate classification (germline): Benign (0 of 4 stars; one submission).

Conditions:
CABIN1-related disorder. Also called: CABIN1-related condition.

Allele frequency attached by ClinVar (database versions not stated): gnomAD exomes 0.00052; gnomAD 0.00064; TOPMed 0.00092; ExAC 0.00162; 1000 Genomes Project 0.00300; 1000 Genomes Project 30x 0.00328.
gnomAD v4.1: 849 of 1,613,782 alleles (0.053%); highest among the groups gnomAD compares: East Asian, 1.7%; 5 homozygotes.

Submission:

PreventionGenetics, part of Exact Sciences
Classification: Benign for CABIN1-related condition. Last evaluated: 2019-06-25. Review status: no assertion criteria provided. Collection method: clinical testing. Allele origin: germline.
Comment: This variant is classified as benign based on ACMG/AMP sequence variant interpretation guidelines (Richards et al. 2015 PMID: 25741868, with internal and published modifications).

NM_012295.4(CABIN1):c.5987C>T (p.Pro1996Leu)

Gene: CABIN1 (calcineurin binding protein 1; plus strand). Cytogenetic location: 22q11.23.
Variant type: single nucleotide variant.
Coding change: c.5987C>T on transcript NM_012295.4 (MANE Select); coding-DNA position 5987, C replaced by T.
Protein change: p.Pro1996Leu; replaces proline 1996 with leucine.
Molecular consequence: missense variant.
Genome position (GRCh38, 1-based): chr22:24,171,942, C>T. VCF-style: chr22-24171942-C-T. GRCh37 (hg19) VCF-style: chr22-24567910-C-T.
Other names: c.5987C>T, p.Pro1996Leu (NM_001199281.1); c.5837C>T, p.Pro1946Leu (NM_001201429.2); short protein forms P1946L, P1996L.
Identifiers: ClinVar variation 3042954 (VCV003042954.2), dbSNP rs146769197, ClinGen allele CA10149912.
Genomic context (GRCh38, chr22:24,171,942, plus strand): 5'-TTATCACCTGCCCTCCGTCAGCATCAGCTTCCACCCTGGACCAGTCCAAGGACCCTGGGC[C>T]TCCCCGGCCACACAGGCCTGAAGCTACCCCCAGCATGGCCTCTCTGGGCCCAGGTGAGTC-3'
Protein context (NP_036427.1, residues 1986-2006): STLDQSKDPG[Pro1996Leu]PRPHRPEATP